The following is an entry in ClinVar:

NM_000138.5(FBN1):c.172dup (p.Val58fs)

Gene: FBN1 (fibrillin 1; minus strand). Cytogenetic location: 15q21.1.
Variant type: Duplication.
Coding change: c.172dup on transcript NM_000138.5 (MANE Select); coding-DNA position 172, one base duplicated (G; older notation c.172dupG).
Protein change: p.Val58fs; shifts the reading frame from valine 58.
Molecular consequence: frameshift variant.
Genome position (GRCh38, 1-based): chr15:48,613,085, C duplicated on the plus strand (G on the coding strand, the reverse complement: FBN1 is on the minus strand). VCF-style (leftmost placement, unchanged base first): chr15-48613084-A-AC. GRCh37 (hg19) VCF-style: chr15-48905281-A-AC.
Other names: c.172dup, p.Val58fs (NM_001406716.1, NM_001406717.1); c.172dupG (NM_000138.5); short protein forms V58fs.
Identifiers: ClinVar variation 3768669 (VCV003768669.1).

ClinVar aggregate classification (germline): Pathogenic (1 of 4 stars; one submission).

Conditions:
Familial aortopathy. Identifiers: MedGen CN078214.

Submission:

Women's Health and Genetics/Laboratory Corporation of America, LabCorp
Classification: Pathogenic for Familial aortopathy. Last evaluated: 2025-02-10. Review status: criteria provided, single submitter. Criteria: LabCorp Variant Classification Summary - May 2015. Collection method: clinical testing. Allele origin: germline.
Comment: Variant summary: FBN1 c.172dupG (p.Val58GlyfsX7) results in a premature termination codon, predicted to cause a truncation of the encoded protein or absence of the protein due to nonsense mediated decay, which are commonly known mechanisms for disease. The variant was absent in 249336 control chromosomes. To our knowledge, no occurrence of c.172dupG in individuals affected with Aortopathy and no experimental evidence demonstrating its impact on protein function have been reported. No submitters have cited clinical-significance assessments for this variant to ClinVar. Based on the evidence outlined above, the variant was classified as pathogenic.